The following is an entry in ClinVar:

ClinVar aggregate classification (germline): Uncertain significance (1 of 4 stars; one submission).

Conditions:
Developmental and epileptic encephalopathy, 8 (DEE8). Also called: HYPEREKPLEXIA AND EPILEPSY. Identifiers: Orphanet 163985, Orphanet 2076, MedGen C1845102, MONDO:0010375, OMIM 300607.

Submission:

Labcorp Genetics (formerly Invitae), Labcorp
Classification: Uncertain significance for Developmental and epileptic encephalopathy, 8. Last evaluated: 2023-08-10. Review status: criteria provided, single submitter. Criteria: Invitae Variant Classification Sherloc (09022015). Collection method: clinical testing. Allele origin: germline.
Comment: In summary, the available evidence is currently insufficient to determine the role of this variant in disease. Therefore, it has been classified as a Variant of Uncertain Significance. Advanced modeling of protein sequence and biophysical properties (such as structural, functional, and spatial information, amino acid conservation, physicochemical variation, residue mobility, and thermodynamic stability) has been performed at Invitae for this missense variant, however the output from this modeling did not meet the statistical confidence thresholds required to predict the impact of this variant on ARHGEF9 protein function. ClinVar contains an entry for this variant (Variation ID: 952743). This variant has not been reported in the literature in individuals affected with ARHGEF9-related conditions. This variant is not present in population databases (gnomAD no frequency). This sequence change replaces lysine, which is basic and polar, with asparagine, which is neutral and polar, at codon 409 of the ARHGEF9 protein (p.Lys409Asn).

NM_001353921.2(ARHGEF9):c.1248G>T (p.Lys416Asn)

Gene: ARHGEF9 (Cdc42 guanine nucleotide exchange factor 9; minus strand). Cytogenetic location: Xq11.1.
Variant type: single nucleotide variant.
Coding change: c.1248G>T on transcript NM_001353921.2 (MANE Select); coding-DNA position 1248, G replaced by T.
Protein change: p.Lys416Asn; replaces lysine 416 with asparagine.
Molecular consequence: missense variant. On other transcripts: intron variant (2).
Genome position (GRCh38, 1-based): chrX:63,655,567, C>A on the plus strand (G>T on the coding strand, the complement: ARHGEF9 is on the minus strand). VCF-style: chrX-63655567-C-A. GRCh37 (hg19) VCF-style: chrX-62875447-C-A.
Other names: c.1068G>T, p.Lys356Asn (NM_001173479.2); c.921G>T, p.Lys307Asn (NM_001173480.2, NM_001369042.1); c.1164G>T, p.Lys388Asn (NM_001330495.2, NM_001369033.1, NM_001369034.1 and 4 more transcripts); c.1116G>T, p.Lys372Asn (NM_001353922.2); c.1266G>T, p.Lys422Asn (NM_001353923.1); c.1047G>T, p.Lys349Asn (NM_001353924.2, NM_001353926.2, NM_001369039.1 and 1 more transcripts); c.1032G>T, p.Lys344Asn (NM_001353927.2, NM_001369041.1); c.1095G>T, p.Lys365Asn (NM_001353928.2); and 3 more; short protein forms K349N, K416N, K422N, K227N, K344N, K356N, K365N, K372N.
Identifiers: ClinVar variation 952743 (VCV000952743.10), dbSNP rs2048824581, ClinGen allele CA413404257.